The following is an entry in ClinVar:

ClinVar aggregate classification (germline): Uncertain significance. Review status: criteria provided, multiple submitters, no conflicts (2 of 4 stars). 4 submissions from 4 submitters: Uncertain significance (4). Last evaluated 2026-04-07.

Conditions:
Inborn genetic diseases. Identifiers: MedGen C0950123, MeSH D030342.
Deficiency of steroid 11-beta-monooxygenase (CYP11B1). Also called: ADRENAL HYPERPLASIA, CONGENITAL, DUE TO STEROID 11-BETA-HYDROXYLASE DEFICIENCY; 11-BETA-HYDROXYLASE DEFICIENCY; ADRENAL HYPERPLASIA IV; P450C11B1 DEFICIENCY; STEROID 11-BETA-HYDROXYLASE DEFICIENCY; Congenital adrenal hyperplasia due to 11-beta-hydroxylase deficiency. Identifiers: Orphanet 90795, MedGen C0268292, MONDO:0008729, OMIM 202010. Disease mechanism: loss of function.
Glucocorticoid-remediable aldosteronism. Also called: ACTH-DEPENDENT HYPERALDOSTERONISM SYNDROME; ALDOSTERONISM, SENSITIVE TO DEXAMETHASONE; FH I; GLUCOCORTICOID-SUPPRESSIBLE HYPERALDOSTERONISM; Hyperaldosteronism, familial, type I. Identifiers: Orphanet 403, MedGen C3838731, MONDO:0007080, OMIM 103900.

Allele frequency attached by ClinVar (database versions not stated): ESP Exome Variant Server 0.00008; 1000 Genomes Project 30x 0.00016; 1000 Genomes Project 0.00020.
gnomAD v4.1: 157 of 1,614,176 alleles (0.0097%); highest among the groups gnomAD compares: Non-Finnish European, 0.012%; no homozygotes.

Submissions (4):

Women's Health and Genetics/Laboratory Corporation of America, LabCorp
Classification: Uncertain significance. Last evaluated: 2026-04-07. Review status: criteria provided, single submitter. Criteria: LabCorp Variant Classification Summary - May 2015. Collection method: clinical testing. Allele origin: germline.
Comment: Variant summary: CYP11B1 c.385G>C (p.Val129Leu) results in a conservative amino acid change in the encoded protein sequence. Algorithms developed to predict the effect of missense changes on protein structure and function are either unavailable or do not agree on the potential impact of this missense change. The variant allele was found at a frequency of 6.8e-05 in 251346 control chromosomes. This frequency is not significantly higher than estimated for disease-causing variants in CYP11B1, allowing no conclusion about variant significance. To our knowledge, no occurrence of c.385G>C in individuals affected with CYP11B1-related conditions and no experimental evidence demonstrating its impact on protein function have been reported. ClinVar contains an entry for this variant (Variation ID: 2051667). Based on the evidence outlined above, the variant was classified as uncertain significance.

Ambry Genetics
Classification: Uncertain significance for Inborn genetic diseases. Last evaluated: 2025-09-25. Review status: criteria provided, single submitter. Criteria: Ambry Variant Classification Scheme 2023. Collection method: clinical testing. Allele origin: germline.

Labcorp Genetics (formerly Invitae), Labcorp
Classification: Uncertain significance. Last evaluated: 2024-11-29. Review status: criteria provided, single submitter. Criteria: Invitae Variant Classification Sherloc (09022015). Collection method: clinical testing. Allele origin: germline.
Comment: This sequence change replaces valine, which is neutral and non-polar, with leucine, which is neutral and non-polar, at codon 129 of the CYP11B1 protein (p.Val129Leu). This variant is present in population databases (rs377423817, gnomAD 0.01%). This variant has not been reported in the literature in individuals affected with CYP11B1-related conditions. ClinVar contains an entry for this variant (Variation ID: 2051667). An algorithm developed to predict the effect of missense changes on protein structure and function outputs the following: PolyPhen-2: "Benign". The leucine amino acid residue is found in multiple mammalian species, which suggests that this missense change does not adversely affect protein function. In summary, the available evidence is currently insufficient to determine the role of this variant in disease. Therefore, it has been classified as a Variant of Uncertain Significance.

Fulgent Genetics
Classification: Uncertain significance for Glucocorticoid-remediable aldosteronism; Deficiency of steroid 11-beta-monooxygenase. Last evaluated: 2024-02-01. Review status: criteria provided, single submitter. Criteria: ACMG Guidelines, 2015. Collection method: clinical testing. Allele origin: germline.

NM_000497.4(CYP11B1):c.385G>C (p.Val129Leu)

Gene: CYP11B1 (cytochrome P450 family 11 subfamily B member 1; minus strand). Cytogenetic location: 8q24.3.
Variant type: single nucleotide variant.
Coding change: c.385G>C on transcript NM_000497.4 (MANE Select); coding-DNA position 385, G replaced by C.
Protein change: p.Val129Leu; replaces valine 129 with leucine.
Molecular consequence: missense variant.
Genome position (GRCh38, 1-based): chr8:142,879,042, C>G on the plus strand (G>C on the coding strand, the complement: CYP11B1 is on the minus strand). VCF-style: chr8-142879042-C-G. GRCh37 (hg19) VCF-style: chr8-143960458-C-G.
Other names: c.385G>C, p.Val129Leu (NM_001026213.1); short protein forms V129L.
Identifiers: ClinVar variation 2051667 (VCV002051667.6), dbSNP rs377423817, ClinGen allele CA4905537.